The following is an entry in ClinVar:

ClinVar aggregate classification (germline): Uncertain significance (1 of 4 stars; one submission).

Submission:

GeneDx
Classification: Uncertain significance. Last evaluated: 2023-06-27. Review status: criteria provided, single submitter. Criteria: GeneDx Variant Classification Process June 2021. Collection method: clinical testing. Allele origin: germline. Affected: yes.
Comment: Not observed at significant frequency in large population cohorts (gnomAD); In silico analysis supports that this missense variant does not alter protein structure/function; Has not been previously published as pathogenic or benign to our knowledge; Also known as F867Y

NM_000384.3(APOB):c.2681T>A (p.Phe894Tyr)

Gene: APOB (apolipoprotein B; minus strand). Cytogenetic location: 2p24.1.
Variant type: single nucleotide variant.
Coding change: c.2681T>A on transcript NM_000384.3 (MANE Select); coding-DNA position 2681, T replaced by A.
Protein change: p.Phe894Tyr; replaces phenylalanine 894 with tyrosine.
Molecular consequence: missense variant.
Genome position (GRCh38, 1-based): chr2:21,022,966, A>T on the plus strand (T>A on the coding strand, the complement: APOB is on the minus strand). VCF-style: chr2-21022966-A-T. GRCh37 (hg19) VCF-style: chr2-21245838-A-T.
Other names: short protein forms F894Y.
Identifiers: ClinVar variation 3360338 (VCV003360338.1).